The following is an entry in ClinVar:

NM_001205254.2(OCLN):c.527T>C (p.Ile176Thr)

Gene: OCLN (occludin; plus strand). Cytogenetic location: 5q13.2.
Variant type: single nucleotide variant.
Coding change: c.527T>C on transcript NM_001205254.2 (MANE Select); coding-DNA position 527, T replaced by C.
Protein change: p.Ile176Thr; replaces isoleucine 176 with threonine.
Molecular consequence: missense variant. On other transcripts: intron variant (1).
Genome position (GRCh38, 1-based): chr5:69,509,617, T>C. VCF-style: chr5-69509617-T-C. GRCh37 (hg19) VCF-style: chr5-68805444-T-C.
Other names: c.527T>C, p.Ile176Thr (NM_001410743.1, NM_001438048.1, NM_001438604.1 and 1 more transcripts); c.-24-4331T>C (NM_001205255.2); short protein forms I176T.
Identifiers: ClinVar variation 1423593 (VCV001423593.8), dbSNP rs1768719192, ClinGen allele CA360077385.
Genomic context (GRCh38, chr5:69,509,617, plus strand): 5'-TTGTTACCAGTGTTATAAGATCTGAAATGTCCAGAACAAGAAGATACTACTTAAGTGTGA[T>C]AATAGTGAGTGCTATCCTGGGCATCATGGTGTTTATTGCCACAATTGTCTATATAATGGG-3'
Protein context (NP_001192183.1, residues 166-186): SRTRRYYLSV[Ile176Thr]IVSAILGIMV

ClinVar aggregate classification (germline): Uncertain significance (1 of 4 stars; one submission).

Allele frequency attached by ClinVar (database versions not stated): TOPMed below 0.00001; gnomAD 0.00001.
gnomAD v4.1: 1 of 1,614,078 alleles (0.000062%); highest among the groups gnomAD compares: Non-Finnish European, 0.000085%; no homozygotes.

Submission:

Labcorp Genetics (formerly Invitae), Labcorp
Classification: Uncertain significance. Last evaluated: 2025-03-31. Review status: criteria provided, single submitter. Criteria: Invitae Variant Classification Sherloc (09022015). Collection method: clinical testing. Allele origin: germline.
Comment: This sequence change replaces isoleucine, which is neutral and non-polar, with threonine, which is neutral and polar, at codon 176 of the OCLN protein (p.Ile176Thr). This variant is not present in population databases (gnomAD no frequency). This variant has not been reported in the literature in individuals affected with OCLN-related conditions. ClinVar contains an entry for this variant (Variation ID: 1423593). An algorithm developed to predict the effect of missense changes on protein structure and function (PolyPhen-2) suggests that this variant is likely to be disruptive. In summary, the available evidence is currently insufficient to determine the role of this variant in disease. Therefore, it has been classified as a Variant of Uncertain Significance.